The following is an entry in ClinVar:

ClinVar aggregate classification (germline): Pathogenic (1 of 4 stars; one submission).

Submission:

Labcorp Genetics (formerly Invitae), Labcorp
Classification: Pathogenic. Last evaluated: 2023-09-06. Review status: criteria provided, single submitter. Criteria: Invitae Variant Classification Sherloc (09022015). Collection method: clinical testing. Allele origin: unknown.
Comment: For these reasons, this variant has been classified as Pathogenic. A similar copy number variant has been observed in individual(s) with lissencephaly spectrum conditions (PMID: 11115846). This variant is a gross deletion of the genomic region encompassing exon(s) 2 of the PAFAH1B1 gene, which includes the initiator codon. This deletion extends beyond the assayed region for this gene and therefore may encompass additional genes. It is expected to result in an absent or disrupted protein product. Loss-of-function variants in PAFAH1B1 are known to be pathogenic (PMID: 1671808, 11115846, 14581661).

Literature cited by the submitters: PubMed 11115846; PubMed 1671808; PubMed 14581661.

NC_000017.10:g.(?_2541583)_(2541634_?)del

Gene: PAFAH1B1 (platelet activating factor acetylhydrolase 1b regulatory subunit 1; plus strand). Cytogenetic location: 17p13.3.
Variant type: Deletion.
Identifiers: ClinVar variation 3243117 (VCV003243117.1).